The following is an entry in ClinVar:

ClinVar aggregate classification (germline): Uncertain significance. Review status: criteria provided, single submitter (1 of 4 stars). 2 submissions from 2 submitters: Uncertain significance (1). 1 of the submissions does not count toward it. Last evaluated 2021-08-26.

Conditions:
Tuberous sclerosis 2 (TSC2). Identifiers: Orphanet 805, MedGen C1860707, MONDO:0013199, OMIM 613254.
Tuberous sclerosis syndrome (TSC). Also called: Tuberous Sclerosis Complex; Tuberous sclerosis. Identifiers: Orphanet 805, MedGen C0041341, MONDO:0001734.

Submissions (2):

Labcorp Genetics (formerly Invitae), Labcorp
Classification: Uncertain significance for Tuberous sclerosis 2. Last evaluated: 2021-08-26. Review status: criteria provided, single submitter. Criteria: Invitae Variant Classification Sherloc (09022015). Collection method: clinical testing. Allele origin: germline.
Comment: This sequence change replaces leucine with proline at codon 222 of the TSC2 protein (p.Leu222Pro). The leucine residue is highly conserved and there is a moderate physicochemical difference between leucine and proline. In summary, the available evidence is currently insufficient to determine the role of this variant in disease. Therefore, it has been classified as a Variant of Uncertain Significance. Algorithms developed to predict the effect of missense changes on protein structure and function (SIFT, PolyPhen-2, Align-GVGD) all suggest that this variant is likely to be disruptive. ClinVar contains an entry for this variant (Variation ID: 49381). This variant has not been reported in the literature in individuals affected with TSC2-related conditions. This variant is not present in population databases (ExAC no frequency).

Tuberous sclerosis database (TSC2)
No classification provided. Condition: TSC. Review status: no classification provided. Criteria: Tuberous Sclerosis Database Assertion Criteria 2015. Collection method: curation. Allele origin: germline. Affected: yes. Not counted in ClinVar's aggregate classification.

NM_000548.5(TSC2):c.665T>C (p.Leu222Pro)

Gene: TSC2 (TSC complex subunit 2; plus strand). Cytogenetic location: 16p13.3.
Variant type: single nucleotide variant.
Coding change: c.665T>C on transcript NM_000548.5 (MANE Select); coding-DNA position 665, T replaced by C.
Protein change: p.Leu222Pro; replaces leucine 222 with proline.
Molecular consequence: missense variant.
Genome position (GRCh38, 1-based): chr16:2,056,660, T>C. VCF-style: chr16-2056660-T-C. GRCh37 (hg19) VCF-style: chr16-2106661-T-C.
Other names: c.665T>C, p.Leu222Pro (NM_001077183.3, NM_001114382.3, NM_001363528.2 and 3 more transcripts); c.554T>C, p.Leu185Pro (NM_001318827.2); c.518T>C, p.Leu173Pro (NM_001318829.2); c.65T>C, p.Leu22Pro (NM_001318831.2); c.698T>C, p.Leu233Pro (NM_001318832.2); short protein forms L222P, L173P, L22P, L233P, L185P.
Identifiers: ClinVar variation 49381 (VCV000049381.7), dbSNP rs45517120, ClinGen allele CA022775.
Genomic context (GRCh38, chr16:2,056,660, plus strand): 5'-GGAGCTGGGGTAGGACGGGCGTGAGCCGTCTCCCTCTCCACCAGGTCTCCCTGCAGGTGC[T>C]GGACGCCGTGGTCTGCTACAACTGCCTGCCGGCTGAGAGCCTCCCGCTGTTCATCGTTAC-3'
Protein context (NP_000539.2, residues 212-232): SVDIEVSLQV[Leu222Pro]DAVVCYNCLP